The following is an entry in ClinVar:

ClinVar aggregate classification (germline): Uncertain significance (1 of 4 stars; one submission).

Submission:

Labcorp Genetics (formerly Invitae), Labcorp
Classification: Uncertain significance. Last evaluated: 2023-03-04. Review status: criteria provided, single submitter. Criteria: Invitae Variant Classification Sherloc (09022015). Collection method: clinical testing. Allele origin: germline.
Comment: This variant is not present in population databases (gnomAD no frequency). This variant has not been reported in the literature in individuals affected with SMAD2-related conditions. Advanced modeling of protein sequence and biophysical properties (such as structural, functional, and spatial information, amino acid conservation, physicochemical variation, residue mobility, and thermodynamic stability) performed at Invitae indicates that this missense variant is expected to disrupt SMAD2 protein function. In summary, the available evidence is currently insufficient to determine the role of this variant in disease. Therefore, it has been classified as a Variant of Uncertain Significance. This sequence change replaces glutamic acid, which is acidic and polar, with glycine, which is neutral and non-polar, at codon 389 of the SMAD2 protein (p.Glu389Gly).

NM_005901.6(SMAD2):c.1166A>G (p.Glu389Gly)

Gene: SMAD2 (SMAD family member 2; minus strand). Cytogenetic location: 18q21.1.
Variant type: single nucleotide variant.
Coding change: c.1166A>G on transcript NM_005901.6 (MANE Select); coding-DNA position 1166, A replaced by G.
Protein change: p.Glu389Gly; replaces glutamic acid 389 with glycine.
Molecular consequence: missense variant.
Genome position (GRCh38, 1-based): chr18:47,845,454, T>C on the plus strand (A>G on the coding strand, the complement: SMAD2 is on the minus strand). VCF-style: chr18-47845454-T-C. GRCh37 (hg19) VCF-style: chr18-45371825-T-C.
Other names: c.1166A>G, p.Glu389Gly (NM_001003652.4); c.1076A>G, p.Glu359Gly (NM_001135937.3); short protein forms E389G, E359G.
Identifiers: ClinVar variation 2843052 (VCV002843052.3), dbSNP rs2144288028, ClinGen allele CA402503808.